The following is an entry in ClinVar:

ClinVar aggregate classification (germline): Uncertain significance (1 of 4 stars; one submission).

Conditions:
Pyruvate carboxylase deficiency. Also called: ATAXIA WITH LACTIC ACIDOSIS II; Pyruvate Carboxylase Deficiency Disease; LEIGH NECROTIZING ENCEPHALOPATHY DUE TO PYRUVATE CARBOXYLASE DEFICIENCY; LEIGH SYNDROME DUE TO PYRUVATE CARBOXYLASE DEFICIENCY; PC DEFICIENCY. Identifiers: Orphanet 3008, MedGen C0034341, MONDO:0009949, OMIM 266150.

Allele frequency attached by ClinVar (database versions not stated): ExAC 0.00001; TOPMed 0.00001; gnomAD 0.00002; ESP Exome Variant Server 0.00008.
gnomAD v4.1: 8 of 1,613,544 alleles (0.0005%); highest among the groups gnomAD compares: African/African-American, 0.0027%; no homozygotes.

Submission:

Labcorp Genetics (formerly Invitae), Labcorp
Classification: Uncertain significance for Pyruvate carboxylase deficiency. Last evaluated: 2022-03-20. Review status: criteria provided, single submitter. Criteria: Invitae Variant Classification Sherloc (09022015). Collection method: clinical testing. Allele origin: germline.
Comment: This sequence change replaces glutamine, which is neutral and polar, with histidine, which is basic and polar, at codon 1083 of the PC protein (p.Gln1083His). This variant is present in population databases (rs374682909, gnomAD 0.007%). This variant has not been reported in the literature in individuals affected with PC-related conditions. Algorithms developed to predict the effect of missense changes on protein structure and function are either unavailable or do not agree on the potential impact of this missense change (SIFT: "Deleterious"; PolyPhen-2: "Benign"; Align-GVGD: "Class C0"). In summary, the available evidence is currently insufficient to determine the role of this variant in disease. Therefore, it has been classified as a Variant of Uncertain Significance.

NM_001040716.2(PC):c.3249G>T (p.Gln1083His)

Gene: PC (pyruvate carboxylase; minus strand). Cytogenetic location: 11q13.2.
Variant type: single nucleotide variant.
Coding change: c.3249G>T on transcript NM_001040716.2 (MANE Select); coding-DNA position 3249, G replaced by T.
Protein change: p.Gln1083His; replaces glutamine 1083 with histidine.
Molecular consequence: missense variant.
Genome position (GRCh38, 1-based): chr11:66,849,269, C>A on the plus strand (G>T on the coding strand, the complement: PC is on the minus strand). VCF-style: chr11-66849269-C-A. GRCh37 (hg19) VCF-style: chr11-66616740-C-A.
Other names: c.3249G>T, p.Gln1083His (NM_000920.4, NM_022172.3); short protein forms Q1083H.
Identifiers: ClinVar variation 1927422 (VCV001927422.2), dbSNP rs374682909, ClinGen allele CA6130850.